The following is an entry in ClinVar:

ClinVar aggregate classification (germline): Uncertain significance. Review status: criteria provided, multiple submitters, no conflicts (2 of 4 stars). 2 submissions from 2 submitters: Uncertain significance (2). Last evaluated 2025-02-06.

Conditions:
Hereditary cancer-predisposing syndrome. Also called: Neoplastic Syndromes, Hereditary; Hereditary Cancer Syndrome; Tumor predisposition; Hereditary neoplastic syndrome. Identifiers: Orphanet 140162, MedGen C0027672, MeSH D009386, MONDO:0015356.

Allele frequency attached by ClinVar (database versions not stated): gnomAD 0.00001; TOPMed 0.00001; gnomAD exomes 0.00002.
gnomAD v4.1: 13 of 1,613,828 alleles (0.00081%); highest among the groups gnomAD compares: Non-Finnish European, 0.00093%; no homozygotes.

Submissions (2):

Ambry Genetics
Classification: Uncertain significance. Last evaluated: 2025-02-06. Review status: criteria provided, single submitter. Criteria: Ambry Variant Classification Scheme 2023. Collection method: clinical testing. Allele origin: germline.
Comment: The p.P326A variant (also known as c.976C>G), located in coding exon 9 of the RAD51B gene, results from a C to G substitution at nucleotide position 976. The proline at codon 326 is replaced by alanine, an amino acid with highly similar properties. This amino acid position is highly conserved in available vertebrate species. In addition, the in silico prediction for this alteration is inconclusive. The evidence for this gene-disease relationship is limited; therefore, the clinical significance of this alteration is unclear.

GeneKor MSA
Classification: Uncertain significance for Hereditary cancer-predisposing syndrome. Last evaluated: 2018-08-01. Review status: criteria provided, single submitter. Criteria: ACMG Guidelines, 2015. Collection method: clinical testing. Allele origin: germline.

NM_133510.4(RAD51B):c.976C>G (p.Pro326Ala)

Gene: RAD51B (RAD51 paralog B; plus strand). Cytogenetic location: 14q24.1.
Variant type: single nucleotide variant.
Coding change: c.976C>G on transcript NM_133510.4 (MANE Select); coding-DNA position 976, C replaced by G.
Protein change: p.Pro326Ala; replaces proline 326 with alanine.
Molecular consequence: missense variant.
Genome position (GRCh38, 1-based): chr14:68,468,190, C>G. VCF-style: chr14-68468190-C-G. GRCh37 (hg19) VCF-style: chr14-68934907-C-G.
Other names: c.976C>G, p.Pro326Ala (NM_001321809.2, NM_001321810.2, NM_001321812.1 and 6 more transcripts); c.862C>G, p.Pro288Ala (NM_001321815.1); c.619C>G, p.Pro207Ala (NM_001321817.2); c.976C>G (NM_133510.3); short protein forms P326A, P207A, P288A.
Identifiers: ClinVar variation 584556 (VCV000584556.2), dbSNP rs548011714, ClinGen allele CA7241302.
Genomic context (GRCh38, chr14:68,468,190, plus strand): 5'-TGATCCTTTGACTAACCCTAGAAAAATGTGCTTTATGTGCAGATTCTTATTGCCAAGTCC[C>G]CTCTGGCTCCCTTCACCTCATTTGTCTACACCATCAAGGAGGAAGGCCTGGTTCTTCAAG-3'
Protein context (NP_598194.1, residues 316-336): ERRQILIAKS[Pro326Ala]LAPFTSFVYT